The following is an entry in ClinVar:

ClinVar aggregate classification (germline): Benign (0 of 4 stars; one submission).

Conditions:
Venous thromboembolism. Identifiers: MedGen C1861172, MeSH D054556, MONDO:0005399.

Submission:

Genomics Division, Defence Institute of Physiology and Allied Sciences
Classification: Benign for VENOUS THROMBOEMBOLISM. Review status: no assertion criteria provided. Collection method: case-control. Allele origin: maternal. Inheritance: Mitochondrial inheritance. Affected: no.
Comment: Three age and sex matched study groups were taken and whole exome sequencing was performed. 1. Healthy Subjects (n=19) 2. Sea Level Venous Thromboembolism (n=15) 3. High Altitude Venous Thromboembolism (n=6) This variant is benign in nature. After analysis we found frequency of rs2853497 in only high altitude induced Thromboembolism study groups. However, this SNP was absent in Healthy Subjects and sea level Thromboembolism study groups. First time it is being reported that there is association of rs2853497with Venous Thromboembolism.

NC_012920.1(MT-ND4):m.12007G>A

Gene: MT-ND4 (mitochondrially encoded NADH dehydrogenase 4; plus strand).
Variant type: single nucleotide variant.
Genome position: chrM-12007-G-A.
Identifiers: ClinVar variation 3027422 (VCV003027422.2), dbSNP rs2853497, ClinGen allele CA337099365.
Genomic context (GRCh38, chrMT:12,007, plus strand): 5'-AGGACTCAACATACTAGTCACAGCCCTATACTCCCTCTACATATTTACCACAACACAATG[G>A]GGCTCACTCACCCACCACATTAACAACATAAAACCCTCATTCACACGAGAAAACACCCTC-3'